The following is an entry in ClinVar:

ClinVar aggregate classification (germline): Benign (1 of 4 stars; one submission).

Allele frequency attached by ClinVar (database versions not stated): 1000 Genomes Project 30x 0.00156; gnomAD 0.00158; 1000 Genomes Project 0.00160; ESP Exome Variant Server 0.00177; TOPMed 0.00178; gnomAD exomes 0.00260; ExAC 0.00338.
gnomAD v4.1: 4,083 of 1,614,058 alleles (0.25%); highest among the groups gnomAD compares: Middle Eastern, 2.4%; 45 homozygotes.

Submission:

CeGaT Center for Human Genetics Tuebingen
Classification: Benign. Last evaluated: 2025-07-01. Review status: criteria provided, single submitter. Criteria: CeGaT Center For Human Genetics Tuebingen Variant Classification Criteria Version 2. Collection method: clinical testing. Allele origin: germline. Affected: yes. Observed: 5 variant alleles.
Comment: ERAP1: BP4, BS1, BS2

NM_001040458.3(ERAP1):c.1939G>A (p.Val647Ile)

Gene: ERAP1 (endoplasmic reticulum aminopeptidase 1; minus strand). Cytogenetic location: 5q15.
Variant type: single nucleotide variant.
Coding change: c.1939G>A on transcript NM_001040458.3 (MANE Select); coding-DNA position 1939, G replaced by A.
Protein change: p.Val647Ile; replaces valine 647 with isoleucine.
Molecular consequence: missense variant.
Genome position (GRCh38, 1-based): chr5:96,785,792, C>T on the plus strand (G>A on the coding strand, the complement: ERAP1 is on the minus strand). VCF-style: chr5-96785792-C-T. GRCh37 (hg19) VCF-style: chr5-96121496-C-T.
Other names: c.1939G>A, p.Val647Ile (NM_001198541.3, NM_001349244.2, NM_016442.5); short protein forms V647I.
Identifiers: ClinVar variation 2655598 (VCV002655598.24), dbSNP rs111363347, ClinGen allele CA3352109.